The following is an entry in ClinVar:

ClinVar aggregate classification (germline): Benign/Likely benign. Review status: criteria provided, multiple submitters, no conflicts (2 of 4 stars). 2 submissions from 2 submitters: Benign (1); Likely benign (1). Last evaluated 2018-01-13.

Conditions:
Ehlers-Danlos syndrome, classic type, 2 (EDSCL2). Also called: Ehlers-Danlos Syndrome, Classic Type, COL5A2-Related; Ehlers-Danlos syndrome, type 2; Ehlers-Danlos syndrome type 2 (formerly). Identifiers: Orphanet 287, Orphanet 90318, MedGen C0268336, MONDO:0019568, OMIM 130010.

Allele frequency attached by ClinVar (database versions not stated): gnomAD exomes 0.08800; gnomAD 0.09269 and 0.09553; TOPMed 0.09370; 1000 Genomes Project 30x 0.10712; 1000 Genomes Project 0.11062.
gnomAD v4.1: 14,547 of 152,420 alleles (9.5%); highest among the groups gnomAD compares: South Asian, 15%; 720 homozygotes.

Submissions (4):

Illumina Laboratory Services, Illumina
Classification: Benign for Ehlers-Danlos syndrome, classic type, 2. Last evaluated: 2018-01-13. Review status: criteria provided, single submitter. Criteria: ICSL Variant Classification Criteria 13 December 2019. Collection method: clinical testing. Allele origin: germline.
Comment: This variant was observed in the ICSL laboratory as part of a predisposition screen in an ostensibly healthy population. It had not been previously curated by ICSL or reported in the Human Gene Mutation Database (HGMD: prior to June 1st, 2018), and was therefore a candidate for classification through an automated scoring system. Utilizing variant allele frequency, disease prevalence and penetrance estimates, and inheritance mode, an automated score was calculated to assess if this variant is too frequent to cause the disease. Based on the score and internal cut-off values, a variant classified as benign is not then subjected to further curation. The score for this variant resulted in a classification of benign for this disease.

Breakthrough Genomics
Classification: Likely benign. Review status: criteria provided, single submitter. Criteria: ACMG Guidelines, 2015. Collection method: not provided. Allele origin: germline. Inheritance: Autosomal dominant inheritance. Affected: yes.

Dr. Peter K. Rogan Lab, Western University
No classification provided (evidence only). Condition: Acute myeloid leukemia. Review status: no classification provided. Collection method: in vitro. Allele origin: not applicable. Functional consequence: retained intron. Not counted in ClinVar's aggregate classification.

Dr. Peter K. Rogan Lab, Western University
No classification provided (evidence only). Condition: Cholangiocarcinoma. Review status: no classification provided. Collection method: in vitro. Allele origin: not applicable. Functional consequence: retained intron. Not counted in ClinVar's aggregate classification.

NM_000393.5(COL5A2):c.*1402T>G

Gene: COL5A2 (collagen type V alpha 2 chain; minus strand). Cytogenetic location: 2q32.2.
Variant type: single nucleotide variant.
Coding change: c.*1402T>G on transcript NM_000393.5 (MANE Select); 1402 bases downstream of the stop codon, T replaced by G.
Molecular consequence: 3 prime UTR variant.
Genome position (GRCh38, 1-based): chr2:189,032,668, A>C on the plus strand (T>G on the coding strand, the complement: COL5A2 is on the minus strand). VCF-style: chr2-189032668-A-C. GRCh37 (hg19) VCF-style: chr2-189897394-A-C.
Other names: NC_000002.11:g.189897394A>C.
Identifiers: ClinVar variation 333106 (VCV000333106.8), dbSNP rs11186, ClinGen allele CA10613255.
Genomic context (GRCh38, chr2:189,032,668, plus strand): 5'-TTTATTTTAAAAGAAAAAAATTAAAATAGAGCCAACAAATGCAATTAAGAAAAAAAAAGT[A>C]TTGAGACACAAGGGGACCTACATGTTCTGGTCTAAGAAGCATGCAAGTATTACAAAGCAT-3'